The following is an entry in ClinVar:

NM_000038.6(APC):c.502A>G (p.Arg168Gly)

Gene: APC (APC regulator of Wnt signaling pathway; plus strand). Cytogenetic location: 5q22.2.
Variant type: single nucleotide variant.
Coding change: c.502A>G on transcript NM_000038.6 (MANE Select); coding-DNA position 502, A replaced by G.
Protein change: p.Arg168Gly; replaces arginine 168 with glycine.
Molecular consequence: missense variant. On other transcripts: 5 prime UTR variant (4), non-coding transcript variant (2).
Genome position (GRCh38, 1-based): chr5:112,775,708, A>G. VCF-style: chr5-112775708-A-G. GRCh37 (hg19) VCF-style: chr5-112111405-A-G.
Other names: c.532A>G, p.Arg178Gly (NM_001127511.3, NM_001354897.2, NM_001354902.2 and 1 more transcripts); c.502A>G, p.Arg168Gly (NM_001354895.2, NM_001354896.2, NM_001354899.2 and 16 more transcripts); c.427A>G, p.Arg143Gly (NM_001354898.2, NM_001354904.2, NM_001407451.1); c.325A>G, p.Arg109Gly (NM_001354900.2, NM_001354901.2, NM_001354905.2 and 1 more transcripts); c.-534A>G (NM_001354906.2, NM_001407470.1, NM_001407471.1 and 1 more transcripts); short protein forms R178G, R168G, R143G, R109G.
Identifiers: ClinVar variation 4827296 (VCV004827296.1).
Genomic context (GRCh38, chr5:112,775,708, plus strand): 5'-CTTGACAAAGAAGAAAAGGAAAAAGACTGGTATTACGCTCAACTTCAGAATCTCACTAAA[A>G]GAATAGATAGTCTTCCTTTAACTGAAAATGTAAGTAACTTGGCAGTACAACTTATTTGAA-3'
Protein context (NP_000029.2, residues 158-178): YYAQLQNLTK[Arg168Gly]IDSLPLTENF

ClinVar aggregate classification (germline): Uncertain significance (1 of 4 stars; one submission).

Conditions:
Hereditary cancer-predisposing syndrome. Also called: Neoplastic Syndromes, Hereditary; Tumor predisposition; Hereditary Cancer Syndrome; Hereditary neoplastic syndrome. Identifiers: Orphanet 140162, MedGen C0027672, MeSH D009386, MONDO:0015356.

Submission:

Ambry Genetics
Classification: Uncertain significance for Hereditary cancer-predisposing syndrome. Last evaluated: 2026-03-03. Review status: criteria provided, single submitter. Criteria: Ambry Variant Classification Scheme 2023. Collection method: clinical testing. Allele origin: germline.
Comment: The p.R168G variant (also known as c.502A>G), located in coding exon 4 of the APC gene, results from an A to G substitution at nucleotide position 502. The arginine at codon 168 is replaced by glycine, an amino acid with dissimilar properties. This amino acid position is highly conserved in available vertebrate species. In addition, in silico predictors for this gene do not accurately predict pathogenicity. Missense variants in APC are not a common cause of disease (Spier I et al. Genet Med. 2024 Feb;26(2):100992). Based on the available evidence, the clinical significance of this variant remains unclear.